The following is an entry in ClinVar:

ClinVar aggregate classification (germline): Uncertain significance (1 of 4 stars; one submission).

Conditions:
Neuronal ceroid lipofuscinosis. Also called: Neuronal Ceroid Lipofuscinoses. Identifiers: Orphanet 216, Orphanet 79263, MedGen C0027877, MONDO:0016295. Disease mechanism: loss of function.

Allele frequency attached by ClinVar (database versions not stated): gnomAD exomes below 0.00001; TOPMed below 0.00001.
gnomAD v4.1: 1 of 1,611,534 alleles (0.000062%); highest among the groups gnomAD compares: Admixed American, 0.0017%; no homozygotes.

Submission:

Labcorp Genetics (formerly Invitae), Labcorp
Classification: Uncertain significance for Neuronal ceroid lipofuscinosis. Last evaluated: 2022-06-20. Review status: criteria provided, single submitter. Criteria: Invitae Variant Classification Sherloc (09022015). Collection method: clinical testing. Allele origin: germline.
Comment: This sequence change replaces phenylalanine, which is neutral and non-polar, with valine, which is neutral and non-polar, at codon 169 of the CLN3 protein (p.Phe169Val). This variant is present in population databases (no rsID available, gnomAD 0.003%). This variant has not been reported in the literature in individuals affected with CLN3-related conditions. ClinVar contains an entry for this variant (Variation ID: 1042922). Algorithms developed to predict the effect of missense changes on protein structure and function are either unavailable or do not agree on the potential impact of this missense change (SIFT: "Deleterious"; PolyPhen-2: "Probably Damaging"; Align-GVGD: "Class C0"). In summary, the available evidence is currently insufficient to determine the role of this variant in disease. Therefore, it has been classified as a Variant of Uncertain Significance.

NM_001042432.2(CLN3):c.505T>G (p.Phe169Val)

Gene: CLN3 (CLN3 lysosomal/endosomal transmembrane protein, battenin; minus strand). Cytogenetic location: 16p12.1.
Variant type: single nucleotide variant.
Coding change: c.505T>G on transcript NM_001042432.2 (MANE Select); coding-DNA position 505, T replaced by G.
Protein change: p.Phe169Val; replaces phenylalanine 169 with valine.
Molecular consequence: missense variant.
Genome position (GRCh38, 1-based): chr16:28,486,606, A>C on the plus strand (T>G on the coding strand, the complement: CLN3 is on the minus strand). VCF-style: chr16-28486606-A-C. GRCh37 (hg19) VCF-style: chr16-28497927-A-C.
Other names: c.505T>G, p.Phe169Val (NM_000086.2); c.433T>G, p.Phe145Val (NM_001286104.2); c.205T>G, p.Phe69Val (NM_001286105.2); c.271T>G, p.Phe91Val (NM_001286109.2); c.343T>G, p.Phe115Val (NM_001286110.2); short protein forms F115V, F169V, F69V, F91V, F145V.
Identifiers: ClinVar variation 1042922 (VCV001042922.6), dbSNP rs1392387565, ClinGen allele CA395345668.